The following is an entry in ClinVar:

NM_005359.6(SMAD4):c.333T>A (p.His111Gln)

Gene: SMAD4 (SMAD family member 4; plus strand). Cytogenetic location: 18q21.2.
Variant type: single nucleotide variant.
Coding change: c.333T>A on transcript NM_005359.6 (MANE Select); coding-DNA position 333, T replaced by A.
Protein change: p.His111Gln; replaces histidine 111 with glutamine.
Molecular consequence: missense variant.
Genome position (GRCh38, 1-based): chr18:51,048,769, T>A. VCF-style: chr18-51048769-T-A. GRCh37 (hg19) VCF-style: chr18-48575139-T-A.
Other names: short protein forms H111Q.
Identifiers: ClinVar variation 628414 (VCV000628414.5), dbSNP rs1568203454, ClinGen allele CA402458380.

ClinVar aggregate classification (germline): Uncertain significance (1 of 4 stars; one submission).

Conditions:
Hereditary cancer-predisposing syndrome. Also called: Neoplastic Syndromes, Hereditary; Tumor predisposition; Hereditary neoplastic syndrome; Hereditary Cancer Syndrome. Identifiers: Orphanet 140162, MedGen C0027672, MeSH D009386, MONDO:0015356.

Submission:

Color Diagnostics, LLC DBA Color Health
Classification: Uncertain significance for Hereditary cancer-predisposing syndrome. Last evaluated: 2023-12-04. Review status: criteria provided, single submitter. Criteria: ACMG Guidelines, 2015. Collection method: clinical testing. Allele origin: germline.
Comment: This missense variant replaces histidine with glutamine at codon 111 of the SMAD4 protein. Computational prediction is inconclusive regarding the impact of this variant on protein structure and function (internally defined REVEL score threshold 0.5 < inconclusive < 0.7, PMID: 27666373). To our knowledge, functional studies have not been reported for this variant. This variant has not been reported in individuals affected with SMAD4-related disorders in the literature. This variant has not been identified in the general population by the Genome Aggregation Database (gnomAD). The available evidence is insufficient to determine the role of this variant in disease conclusively. Therefore, this variant is classified as a Variant of Uncertain Significance.